The following is an entry in ClinVar:

ClinVar aggregate classification (germline): Uncertain significance (1 of 4 stars; one submission).

Allele frequency attached by ClinVar (database versions not stated): gnomAD exomes below 0.00001.
gnomAD v4.1: 5 of 1,612,872 alleles (0.00031%); highest among the groups gnomAD compares: Non-Finnish European, 0.00042%; no homozygotes.

Submission:

Ambry Genetics
Classification: Uncertain significance. Last evaluated: 2023-01-25. Review status: criteria provided, single submitter. Criteria: Ambry Variant Classification Scheme 2023. Collection method: clinical testing. Allele origin: germline.
Comment: The p.H389Y variant (also known as c.1165C>T), located in coding exon 9 of the RECQL gene, results from a C to T substitution at nucleotide position 1165. The histidine at codon 389 is replaced by tyrosine, an amino acid with similar properties. This amino acid position is conserved. In addition, this alteration is predicted to be deleterious by in silico analysis. Since supporting evidence is limited at this time, the clinical significance of this alteration remains unclear.

NM_002907.4(RECQL):c.1165C>T (p.His389Tyr)

Gene: RECQL (RecQ like helicase; minus strand). Cytogenetic location: 12p12.1.
Variant type: single nucleotide variant.
Coding change: c.1165C>T on transcript NM_002907.4 (MANE Select); coding-DNA position 1165, C replaced by T.
Protein change: p.His389Tyr; replaces histidine 389 with tyrosine.
Molecular consequence: missense variant.
Genome position (GRCh38, 1-based): chr12:21,475,519, G>A on the plus strand (C>T on the coding strand, the complement: RECQL is on the minus strand). VCF-style: chr12-21475519-G-A. GRCh37 (hg19) VCF-style: chr12-21628453-G-A.
Other names: c.1165C>T, p.His389Tyr (NM_032941.3); short protein forms H389Y.
Identifiers: ClinVar variation 2450980 (VCV002450980.2), dbSNP rs2540344655, ClinGen allele CA384119644.